The following is an entry in ClinVar:

NM_001267550.2(TTN):c.40751_40769del (p.Leu13584fs)

Gene: TTN (titin; minus strand). Cytogenetic location: 2q31.2.
Variant type: Deletion.
Coding change: c.40751_40769del on transcript NM_001267550.2 (MANE Select); coding-DNA positions 40751 to 40769, 19 bases deleted (TCCCTGCACCTGAACCGAA).
Protein change: p.Leu13584fs; shifts the reading frame from leucine 13584.
Molecular consequence: frameshift variant.
Genome position (GRCh38, 1-based): chr2:178,640,065-178,640,083, TTCGGTTCAGGTGCAGGGA deleted on the plus strand (TCCCTGCACCTGAACCGAA on the coding strand, the reverse complement: TTN is on the minus strand). VCF-style (leftmost placement, unchanged base first): chr2-178640064-TTTCGGTTCAGGTGCAGGGA-T. GRCh37 (hg19) VCF-style: chr2-179504791-TTTCGGTTCAGGTGCAGGGA-T.
Other names: c.35828_35846del, p.Leu11943fs (NM_001256850.1); c.13556_13574del, p.Leu4519fs (NM_003319.4); c.33047_33065del, p.Leu11016fs (NM_133378.4); c.13931_13949del, p.Leu4644fs (NM_133432.3); c.14132_14150del, p.Leu4711fs (NM_133437.4); short protein forms L13584fs, L11943fs, L4644fs, L4519fs, L11016fs, L4711fs.
Identifiers: ClinVar variation 2944542 (VCV002944542.3), dbSNP rs2471772220, ClinGen allele CA2740096171.

ClinVar aggregate classification (germline): Likely pathogenic (1 of 4 stars; one submission).

Conditions:
Dilated cardiomyopathy 1G (CMD1G). Identifiers: Orphanet 154, MedGen C1858763, MONDO:0011400, OMIM 604145.
Autosomal recessive limb-girdle muscular dystrophy type 2J (LGMDR10). Also called: Limb-girdle muscular dystrophy, type 2J; MUSCULAR DYSTROPHY, LIMB-GIRDLE, AUTOSOMAL RECESSIVE 10. Identifiers: Orphanet 140922, MedGen C1837342, MONDO:0012127, OMIM 608807.

Submission:

Labcorp Genetics (formerly Invitae), Labcorp
Classification: Likely pathogenic for Dilated cardiomyopathy 1G; Autosomal recessive limb-girdle muscular dystrophy type 2J. Last evaluated: 2024-10-18. Review status: criteria provided, single submitter. Criteria: Invitae Variant Classification Sherloc (09022015). Collection method: clinical testing. Allele origin: germline.
Comment: This sequence change creates a premature translational stop signal (p.Leu13584Hisfs*8) in the TTN gene. While this is not anticipated to result in nonsense mediated decay, it is expected to create a truncated TTN protein. This variant is not present in population databases (gnomAD no frequency). This variant has not been reported in the literature in individuals affected with TTN-related conditions. This variant is located in the I band of TTN (PMID: 25589632). Truncating variants in this region have been reported in individuals affected with autosomal recessive centronuclear myopathy (PMID: 23975875, internal data). Truncating variants in this region have also been identified in individuals affected with autosomal dominant dilated cardiomyopathy and/or cardio-related conditions (PMID: 27869827, 32964742, internal data). In summary, the currently available evidence indicates that the variant is pathogenic, but additional data are needed to prove that conclusively. Therefore, this variant has been classified as Likely Pathogenic.

Literature cited by the submitters: PubMed 25589632; PubMed 23975875; PubMed 27869827; PubMed 32964742.